The following is an entry in ClinVar:

ClinVar aggregate classification (germline): Uncertain significance (1 of 4 stars; one submission).

Submission:

Greenwood Genetic Center Diagnostic Laboratories, Greenwood Genetic Center
Classification: Uncertain significance. Last evaluated: 2023-06-06. Review status: criteria provided, single submitter. Criteria: ACMG Guidelines, 2015. Collection method: clinical testing. Allele origin: germline. Affected: yes.
Comment: PM2

NM_001040616.3(LINS1):c.1186_1187delinsCC (p.Lys396Pro)

Gene: LINS1 (lines homolog 1; minus strand). Cytogenetic location: 15q26.3.
Variant type: Indel.
Coding change: c.1186_1187delinsCC on transcript NM_001040616.3 (MANE Select); coding-DNA positions 1186 to 1187, AA replaced by CC.
Protein change: p.Lys396Pro; replaces lysine 396 with proline.
Molecular consequence: missense variant. On other transcripts: non-coding transcript variant (3).
Genome position (GRCh38, 1-based): chr15:100,573,686-100,573,687, TT replaced by GG on the plus strand (AA replaced by CC on the coding strand, the reverse complement: LINS1 is on the minus strand). VCF-style: chr15-100573686-TT-GG. GRCh37 (hg19) VCF-style: chr15-101113891-TT-GG.
Other names: c.439_440delinsCC, p.Lys147Pro (NM_001352507.2); c.1141_1142delinsCC, p.Lys381Pro (NM_001352508.2); short protein forms K147P, K381P, K396P.
Identifiers: ClinVar variation 2572261 (VCV002572261.1), dbSNP rs2505378363, ClinGen allele CA2580613347.